The following is an entry in ClinVar:

ClinVar aggregate classification (germline): Uncertain significance (1 of 4 stars; one submission).

Allele frequency attached by ClinVar (database versions not stated): ExAC 0.00001.
gnomAD v4.1: 1 of 1,613,804 alleles (0.000062%); highest among the groups gnomAD compares: South Asian, 0.0011%; no homozygotes.

Submission:

Labcorp Genetics (formerly Invitae), Labcorp
Classification: Uncertain significance. Last evaluated: 2023-10-10. Review status: criteria provided, single submitter. Criteria: Invitae Variant Classification Sherloc (09022015). Collection method: clinical testing. Allele origin: germline.
Comment: This sequence change replaces proline, which is neutral and non-polar, with serine, which is neutral and polar, at codon 1145 of the MED12L protein (p.Pro1145Ser). This variant is present in population databases (rs755457162, gnomAD 0.003%). This variant has not been reported in the literature in individuals affected with MED12L-related conditions. An algorithm developed to predict the effect of missense changes on protein structure and function (PolyPhen-2) suggests that this variant is likely to be tolerated. In summary, the available evidence is currently insufficient to determine the role of this variant in disease. Therefore, it has been classified as a Variant of Uncertain Significance.

NM_001393769.1(MED12L):c.3538C>T (p.Pro1180Ser)

Genes: MED12L (mediator complex subunit 12L; plus strand), P2RY12 (purinergic receptor P2Y12; minus strand). Cytogenetic location: 3q25.1.
Variant type: single nucleotide variant.
Coding change: c.3538C>T on transcript NM_001393769.1 (MANE Select); coding-DNA position 3538, C replaced by T.
Protein change: p.Pro1180Ser; replaces proline 1180 with serine.
Molecular consequence: missense variant. On other transcripts: intron variant (1).
Genome position (GRCh38, 1-based): chr3:151,368,239, C>T. VCF-style: chr3-151368239-C-T. GRCh37 (hg19) VCF-style: chr3-151086027-C-T.
Other names: c.3433C>T, p.Pro1145Ser (NM_053002.6); c.-180+16453G>A (NM_022788.5); short protein forms P1145S, P1180S.
Identifiers: ClinVar variation 2767542 (VCV002767542.3), dbSNP rs755457162, ClinGen allele CA2668292.